The following is an entry in ClinVar:

NM_001127898.4(CLCN5):c.2234C>G (p.Pro745Arg)

Genes: CLCN5 (chloride voltage-gated channel 5; plus strand), LOC126863258 (BRD4-independent group 4 enhancer GRCh37_chrX:49854497-49855696; plus strand). Cytogenetic location: Xp11.23.
Variant type: single nucleotide variant.
Coding change: c.2234C>G on transcript NM_001127898.4 (MANE Select); coding-DNA position 2234, C replaced by G.
Protein change: p.Pro745Arg; replaces proline 745 with arginine.
Molecular consequence: missense variant.
Genome position (GRCh38, 1-based): chrX:50,090,760, C>G. VCF-style: chrX-50090760-C-G. GRCh37 (hg19) VCF-style: chrX-49855417-C-G.
Other names: c.2024C>G, p.Pro675Arg (NM_000084.5); c.2234C>G, p.Pro745Arg (NM_001127899.4); c.2084C>G, p.Pro695Arg (NM_001282163.2); short protein forms P695R, P675R, P745R.
Identifiers: ClinVar variation 2825581 (VCV002825581.3), dbSNP rs1934068856, ClinGen allele CA413190931.
Genomic context (GRCh38, chrX:50,090,760, plus strand): 5'-TTAGCACTTCCATCATTTATTTCACGGAGCATTCTCCTCCATTGCCACCATACACTCCAC[C>G]CACTCTAAAGCTTCGGAACATCCTCGATCTCAGCCCCTTCACTGTGACTGACCTTACACC-3'
Protein context (NP_001121370.1, residues 735-755): HSPPLPPYTP[Pro745Arg]TLKLRNILDL

ClinVar aggregate classification (germline): Uncertain significance (1 of 4 stars; one submission).

Allele frequency attached by ClinVar (database versions not stated): TOPMed 0.00001.

Submission:

Labcorp Genetics (formerly Invitae), Labcorp
Classification: Uncertain significance. Last evaluated: 2023-11-01. Review status: criteria provided, single submitter. Criteria: Invitae Variant Classification Sherloc (09022015). Collection method: clinical testing. Allele origin: germline.
Comment: This sequence change replaces proline, which is neutral and non-polar, with arginine, which is basic and polar, at codon 675 of the CLCN5 protein (p.Pro675Arg). This variant is not present in population databases (gnomAD no frequency). This variant has not been reported in the literature in individuals affected with CLCN5-related conditions. An algorithm developed to predict the effect of missense changes on protein structure and function (PolyPhen-2) suggests that this variant is likely to be disruptive. In summary, the available evidence is currently insufficient to determine the role of this variant in disease. Therefore, it has been classified as a Variant of Uncertain Significance.